The following is an entry in ClinVar:

ClinVar aggregate classification (germline): Pathogenic. Review status: criteria provided, multiple submitters, no conflicts (2 of 4 stars). 3 submissions from 3 submitters: Pathogenic (2). 1 of the submissions does not count toward it. Last evaluated 2026-02-03.

Conditions:
Axial spondylometaphyseal dysplasia. Also called: AXIAL SMD. Identifiers: Orphanet 168549, MedGen C1865695, MONDO:0011211, OMIM 602271.
Retinitis pigmentosa (RP). Identifiers: Orphanet 791, MedGen C0035334, MeSH D012174, MONDO:0019200, OMIM 268000. Inheritance: Autosomal dominant, autosomal recessive and X linked inheritance.

Submissions (3):

Laboratory of Functional Genomics, Research Centre for Medical Genetics
Classification: Pathogenic for Axial spondylometaphyseal dysplasia. Last evaluated: 2026-02-03. Review status: criteria provided, single submitter. Criteria: ACMG Guidelines, 2015. Collection method: clinical testing. Allele origin: germline. Inheritance: Autosomal recessive inheritance. Affected: yes. Observed: 1 variant allele, 1 compound heterozygote.
Comment: The variant is absent from gnomAD. RNA analysis of patient blood revealed aberrant splicing with complete retention of intron 6 in 14% of reads. The low proportion is likely due to nonsense‑mediated decay (NMD) of the mutant transcript, as the frameshift creates a premature termination codon. Allelic imbalance analysis at the c.218G>C locus confirmed reduced expression of the splice variant allele, independently supporting transcript degradation.

Laboratory of Inherited Metabolic Diseases, Research centre for medical genetics
Classification: Pathogenic for Axial spondylometaphyseal dysplasia. Last evaluated: 2022-04-01. Review status: criteria provided, single submitter. Criteria: ACMG Guidelines, 2015. Collection method: clinical testing. Allele origin: inherited. Affected: yes. Observed: 1 variant allele.

Sharon lab, Hadassah-Hebrew University Medical Center
Classification: Pathogenic for Retinitis pigmentosa. Last evaluated: 2019-06-23. Review status: no assertion criteria provided. Collection method: research. Allele origin: inherited. Affected: yes. Not counted in ClinVar's aggregate classification.

NM_004928.3(CFAP410):c.643-1G>C

Gene: CFAP410 (cilia and flagella associated protein 410; minus strand). Cytogenetic location: 21q22.3.
Variant type: single nucleotide variant.
Coding change: c.643-1G>C on transcript NM_004928.3 (MANE Select); the canonical splice acceptor site of the intron before coding-DNA position 643, G replaced by C.
Molecular consequence: splice acceptor variant.
Genome position (GRCh38, 1-based): chr21:44,330,327, C>G on the plus strand (G>C on the coding strand, the complement: CFAP410 is on the minus strand). VCF-style: chr21-44330327-C-G. GRCh37 (hg19) VCF-style: chr21-45750210-C-G.
Other names: c.640-1G>C (NM_001271440.2); c.1000-1G>C (NM_001271441.2); c.517-1G>C (NM_001271442.1).
Identifiers: ClinVar variation 812234 (VCV000812234.4), dbSNP rs1602071514, ClinGen allele CA410448626.